The following is an entry in ClinVar:

NM_001199267.2(DGKZ):c.1481T>C (p.Met494Thr)

Gene: DGKZ (diacylglycerol kinase zeta; plus strand). Cytogenetic location: 11p11.2.
Variant type: single nucleotide variant.
Coding change: c.1481T>C on transcript NM_001199267.2 (MANE Select); coding-DNA position 1481, T replaced by C.
Protein change: p.Met494Thr; replaces methionine 494 with threonine.
Molecular consequence: missense variant.
Genome position (GRCh38, 1-based): chr11:46,374,626, T>C. VCF-style: chr11-46374626-T-C. GRCh37 (hg19) VCF-style: chr11-46396176-T-C.
Other names: c.2048T>C, p.Met683Thr (NM_001105540.2); c.1484T>C, p.Met495Thr (NM_001199266.2, NM_003646.4); c.1415T>C, p.Met472Thr (NM_001199268.2); c.1532T>C, p.Met511Thr (NM_201532.3); c.1496T>C, p.Met499Thr (NM_201533.3); c.2048T>C (NM_001105540.1); short protein forms M495T, M511T, M472T, M499T, M683T, M494T.
Identifiers: ClinVar variation 1913373 (VCV001913373.6), dbSNP rs1380701703, ClinGen allele CA380222900.

ClinVar aggregate classification (germline): Uncertain significance. Review status: criteria provided, multiple submitters, no conflicts (2 of 4 stars). 2 submissions from 2 submitters: Uncertain significance (2). Last evaluated 2025-03-03.

Allele frequency attached by ClinVar (database versions not stated): TOPMed below 0.00001; gnomAD 0.00001.
gnomAD v4.1: 1 of 1,571,752 alleles (0.000064%); highest among the groups gnomAD compares: Non-Finnish European, 0.000087%; no homozygotes.

Submissions (2):

Ambry Genetics
Classification: Uncertain significance. Last evaluated: 2025-03-03. Review status: criteria provided, single submitter. Criteria: Ambry Variant Classification Scheme 2023. Collection method: clinical testing. Allele origin: germline.

Labcorp Genetics (formerly Invitae), Labcorp
Classification: Uncertain significance. Last evaluated: 2022-03-19. Review status: criteria provided, single submitter. Criteria: Invitae Variant Classification Sherloc (09022015). Collection method: clinical testing. Allele origin: germline.
Comment: This variant has not been reported in the literature in individuals affected with DGKZ-related conditions. Algorithms developed to predict the effect of missense changes on protein structure and function output the following: SIFT: "Tolerated"; PolyPhen-2: "Benign"; Align-GVGD: "Class C0". The threonine amino acid residue is found in multiple mammalian species, which suggests that this missense change does not adversely affect protein function. In summary, the available evidence is currently insufficient to determine the role of this variant in disease. Therefore, it has been classified as a Variant of Uncertain Significance. This variant is not present in population databases (gnomAD no frequency). This sequence change replaces methionine, which is neutral and non-polar, with threonine, which is neutral and polar, at codon 683 of the DGKZ protein (p.Met683Thr).